The following is an entry in ClinVar:

NM_007294.4(BRCA1):c.1527A>G (p.Thr509=)

Gene: BRCA1 (BRCA1 DNA repair associated; minus strand). Cytogenetic location: 17q21.31.
Variant type: single nucleotide variant.
Coding change: c.1527A>G on transcript NM_007294.4 (MANE Select); coding-DNA position 1527, A replaced by G.
Protein change: p.Thr509=; no amino-acid change (threonine 509 retained).
Molecular consequence: synonymous variant. On other transcripts: intron variant (137).
Genome position (GRCh38, 1-based): chr17:43,094,004, T>C on the plus strand (A>G on the coding strand, the complement: BRCA1 is on the minus strand). VCF-style: chr17-43094004-T-C. GRCh37 (hg19) VCF-style: chr17-41246021-T-C.
Other names: c.1191A>G, p.Thr397= (NM_001407958.1, NM_001407954.1, NM_001407955.1 and 1 more transcripts); c.1146A>G, p.Thr382= (NM_001407959.1, NM_001407960.1, NM_001407963.1); c.1143A>G, p.Thr381= (NM_001407962.1); c.1383A>G, p.Thr461= (NM_001407964.1, NM_001407740.1, NM_001407741.1 and 20 more transcripts); c.1023A>G, p.Thr341= (NM_001407965.1); c.639A>G, p.Thr213= (NM_001407966.1, NM_001407967.1); c.1386A>G, p.Thr462= (NM_007297.4, NM_001407692.1, NM_001407694.1 and 29 more transcripts); c.1527A>G, p.Thr509= (NM_007300.4, NM_001407581.1, NM_001407582.1 and 30 more transcripts); and 40 more.
Identifiers: ClinVar variation 427271 (VCV000427271.12), dbSNP rs1131692082, ClinGen allele CA500233526.

ClinVar aggregate classification (germline): Likely benign. Review status: reviewed by expert panel (3 of 4 stars). 4 submissions from 4 submitters: Likely benign (1). 3 of the submissions do not count toward it. Last evaluated 2017-06-29.

Conditions:
Hereditary breast ovarian cancer syndrome. Also called: Hereditary breast and ovarian cancer syndrome (HBOC); BRCA1- and BRCA2-Associated Hereditary Breast and Ovarian Cancer; Hereditary breast and/or ovarian cancer syndrome; Hereditary breast and ovarian cancer syndrome; Hereditary breast and ovarian cancer; Breast and ovarian cancer. Identifiers: Orphanet 145, MedGen C0677776, MeSH D061325, MONDO:0003582. Disease mechanism: loss of function.
BRCA1-related cancer predisposition. Identifiers: MedGen CN377757, MONDO:0700268.
Hereditary cancer-predisposing syndrome. Also called: Neoplastic Syndromes, Hereditary; Hereditary neoplastic syndrome; Tumor predisposition; Hereditary Cancer Syndrome. Identifiers: Orphanet 140162, MedGen C0027672, MeSH D009386, MONDO:0015356.
Breast-ovarian cancer, familial, susceptibility to, 1 (BROVCA1). Also called: BRCA1 Hereditary Breast and Ovarian Cancer; OVARIAN CANCER, SUSCEPTIBILITY TO. Identifiers: Orphanet 145, MedGen C2676676, MONDO:0011450, OMIM 604370. Disease mechanism: loss of function.

Submissions (4):

Evidence-based Network for the Interpretation of Germline Mutant Alleles (ENIGMA)
Classification: Likely benign for Breast-ovarian cancer, familial, susceptibility to, 1. Last evaluated: 2017-06-29. Review status: reviewed by expert panel. Criteria: ENIGMA BRCA1/2 Classification Criteria (2017-06-29). Collection method: curation. Allele origin: germline.
Comment: Synonymous substitution variant, with low bioinformatic likelihood to result in a splicing aberration (Splicing prior probability 0.02).

Labcorp Genetics (formerly Invitae), Labcorp
Classification: Likely benign for Hereditary breast ovarian cancer syndrome. Last evaluated: 2025-04-30. Review status: criteria provided, single submitter. Criteria: Invitae Variant Classification Sherloc (09022015). Collection method: clinical testing. Allele origin: germline. Not counted in ClinVar's aggregate classification.

All of Us Research Program, National Institutes of Health
Classification: Likely benign for BRCA1-related cancer predisposition. Last evaluated: 2024-04-16. Review status: criteria provided, single submitter. Criteria: ACMG Guidelines, 2015. Collection method: clinical testing. Allele origin: germline. Inheritance: Autosomal dominant inheritance. Observed: 1 variant allele, 1 heterozygote. Not counted in ClinVar's aggregate classification.
Comment: This study involves interpretation of variants in research participants for the purpose of population health screening. Participant phenotype was not available at the time of variant classification. Additional details can be found in publication PMID: 35346344, PMCID: PMC8962531

Ambry Genetics
Classification: Likely benign for Hereditary cancer-predisposing syndrome. Last evaluated: 2023-09-07. Review status: criteria provided, single submitter. Criteria: Ambry Variant Classification Scheme 2023. Collection method: clinical testing. Allele origin: germline. Not counted in ClinVar's aggregate classification.